The following is an entry in ClinVar:

NM_020469.3(ABO):c.[297A>C;496del526=657C>T703G>A796C>A803G>C930G>A]

Variant type: Haplotype.
Identifiers: ClinVar variation 2573154 (VCV002573154.1).

ClinVar aggregate classification (germline): Benign (0 of 4 stars; one submission).

Conditions:
Severely weakened expression of B on erythrocytes.

Submission:

Division of Hematology and Transfusion Medicine, Lund University
Classification: Benign for Severely weakened expression of B on erythrocytes. Last evaluated: 2023-07-12. Review status: no assertion criteria provided. Collection method: clinical testing. Allele origin: somatic. Affected: yes. Observed: 1 variant allele.
Comment: c.496del resulting in p.Thr166Profs*26 on the ABO*B.01 allele (AB844269.1). Also detected c.526G>C downstream of the frameshift.